The following is an entry in ClinVar:

NM_004333.6(BRAF):c.1141-137T>C

Gene: BRAF (B-Raf proto-oncogene, serine/threonine kinase; minus strand). Cytogenetic location: 7q34.
Variant type: single nucleotide variant.
Coding change: c.1141-137T>C on transcript NM_004333.6 (MANE Select); 137 bases into the intron before coding-DNA position 1141, T replaced by C.
Molecular consequence: intron variant.
Genome position (GRCh38, 1-based): chr7:140,787,721, A>G on the plus strand (T>C on the coding strand, the complement: BRAF is on the minus strand). VCF-style: chr7-140787721-A-G. GRCh37 (hg19) VCF-style: chr7-140487521-A-G.
Other names: c.1141-137T>C (NM_001378474.1, NM_001378468.1, NM_001354609.2 and 3 more transcripts); c.1039-137T>C (NM_001378470.1); c.877-137T>C (NM_001378475.1); c.1141-4638T>C (NM_001378471.1); c.1150-137T>C (NM_001378467.1); c.985-137T>C (NM_001378472.1, NM_001378473.1).
Identifiers: ClinVar variation 2658042 (VCV002658042.24), dbSNP rs545143942, ClinGen allele CA168095242.

ClinVar aggregate classification (germline): Likely benign (1 of 4 stars; one submission).

Allele frequency attached by ClinVar (database versions not stated): gnomAD 0.00010; TOPMed 0.00010; gnomAD exomes 0.00017; 1000 Genomes Project 0.00080; 1000 Genomes Project 30x 0.00094.
gnomAD v4.1: 124 of 743,922 alleles (0.017%); highest among the groups gnomAD compares: South Asian, 0.14%; 1 homozygote.

Submission:

CeGaT Center for Human Genetics Tuebingen
Classification: Likely benign. Last evaluated: 2026-03-01. Review status: criteria provided, single submitter. Criteria: CeGaT Center For Human Genetics Tuebingen Variant Classification Criteria Version 2. Collection method: clinical testing. Allele origin: germline. Affected: yes. Observed: 4 variant alleles.
Comment: BRAF: BS1